The following is an entry in ClinVar:

NM_001364905.1(LRBA):c.4159-1G>T

Gene: LRBA (LPS responsive beige-like anchor protein; minus strand). Cytogenetic location: 4q31.3.
Variant type: single nucleotide variant.
Coding change: c.4159-1G>T on transcript NM_001364905.1 (MANE Select); the canonical splice acceptor site of the intron before coding-DNA position 4159, G replaced by T.
Molecular consequence: splice acceptor variant.
Genome position (GRCh38, 1-based): chr4:150,848,999, C>A on the plus strand (G>T on the coding strand, the complement: LRBA is on the minus strand). VCF-style: chr4-150848999-C-A. GRCh37 (hg19) VCF-style: chr4-151770151-C-A.
Other names: c.4159-1G>T (NM_001367550.1, NM_006726.5, NM_001199282.3 and 2 more transcripts).
Identifiers: ClinVar variation 973589 (VCV000973589.10), dbSNP rs1750245794, ClinGen allele CA358453639.
Genomic context (GRCh38, chr4:150,848,999, plus strand): 5'-AAATGTCACAGAGGCTTCTATTGAAAGGCCTTGAGTAGGTTCAATATTTTCCAGTTCATG[C>A]TGTAAAGAATAAAGTTTGACATTTATATATATATATTCTGAAAAAAAAATTTTACCAGAT-3'

ClinVar aggregate classification (germline): Likely pathogenic. Review status: criteria provided, multiple submitters, no conflicts (2 of 4 stars). 5 submissions from 5 submitters: Likely pathogenic (4). 1 of the submissions does not count toward it. Last evaluated 2022-08-05.

Conditions:
LRBA-related disorder. Also called: LRBA-related condition.
Severe combined immunodeficiency due to CORO1A deficiency. Also called: Immunodeficiency 8; IMMUNODEFICIENCY 8 WITH LYMPHOPROLIFERATION. Identifiers: Orphanet 228003, MedGen C3809383, MONDO:0014168, OMIM 615401.
Combined immunodeficiency due to LRBA deficiency. Also called: Common variable immunodeficiency 8, with autoimmunity. Identifiers: Orphanet 445018, MedGen C3553512, MONDO:0013863, OMIM 614700.

gnomAD v4.1: 1 of 1,574,288 alleles (0.000064%); highest among the groups gnomAD compares: South Asian, 0.0012%; no homozygotes.

Submissions (5):

Labcorp Genetics (formerly Invitae), Labcorp
Classification: Likely pathogenic for Combined immunodeficiency due to LRBA deficiency. Last evaluated: 2022-08-05. Review status: criteria provided, single submitter. Criteria: Invitae Variant Classification Sherloc (09022015). Collection method: clinical testing. Allele origin: germline.
Comment: Algorithms developed to predict the effect of sequence changes on RNA splicing suggest that this variant may disrupt the consensus splice site. ClinVar contains an entry for this variant (Variation ID: 973589). This variant has not been reported in the literature in individuals affected with LRBA-related conditions. This variant is not present in population databases (gnomAD no frequency). This sequence change affects an acceptor splice site in intron 25 of the LRBA gene. It is expected to disrupt RNA splicing. Variants that disrupt the donor or acceptor splice site typically lead to a loss of protein function (PMID: 16199547), and loss-of-function variants in LRBA are known to be pathogenic (PMID: 26206937, 26768763). In summary, the currently available evidence indicates that the variant is pathogenic, but additional data are needed to prove that conclusively. Therefore, this variant has been classified as Likely Pathogenic.

Baylor Genetics
Classification: Likely pathogenic for Combined immunodeficiency due to LRBA deficiency. Last evaluated: 2022-07-21. Review status: criteria provided, single submitter. Criteria: ACMG Guidelines, 2015. Collection method: clinical testing. Allele origin: unknown.

Blueprint Genetics
Classification: Likely pathogenic for LRBA-related disorders. Last evaluated: 2018-06-05. Review status: criteria provided, single submitter. Criteria: ACMG Guidelines, 2015. Collection method: clinical testing. Allele origin: germline. Affected: yes. Observed: 1 variant allele.

CENTOGENE GmbH and LLC - Guiding Precision Medicine
Classification: Likely pathogenic for Immunodeficiency type 8. Review status: criteria provided, single submitter. Criteria: ACMG Guidelines, 2015. Collection method: clinical testing. Allele origin: germline. Affected: yes.

National Institute of Immunohaematology, Indian Council of Medical Research
Classification: Likely pathogenic for Combined immunodeficiency due to LRBA deficiency. Review status: no assertion criteria provided. Collection method: research. Allele origin: germline. Inheritance: Autosomal recessive inheritance. Affected: yes. Observed: 1 homozygote. Not counted in ClinVar's aggregate classification.
Comment: The variant has not been identified in population databases. The insilico prediction of the variant is damaging

Literature cited by the submitters: PubMed 16199547 (cited by Labcorp Genetics (formerly Invitae), Labcorp); PubMed 26206937 (cited by Labcorp Genetics (formerly Invitae), Labcorp); PubMed 26768763 (cited by Labcorp Genetics (formerly Invitae), Labcorp); PubMed 22608502 (cited by National Institute of Immunohaematology, Indian Council of Medical Research).